The following is an entry in ClinVar:

NM_002913.5(RFC1):c.3363A>G (p.Lys1121=)

Gene: RFC1 (replication factor C subunit 1; minus strand). Cytogenetic location: 4p14.
Variant type: single nucleotide variant.
Coding change: c.3363A>G on transcript NM_002913.5 (MANE Select); coding-DNA position 3363, A replaced by G.
Protein change: p.Lys1121=; no amino-acid change (lysine 1121 retained).
Molecular consequence: synonymous variant.
Genome position (GRCh38, 1-based): chr4:39,288,842, T>C on the plus strand (A>G on the coding strand, the complement: RFC1 is on the minus strand). VCF-style: chr4-39288842-T-C. GRCh37 (hg19) VCF-style: chr4-39290462-T-C.
Other names: NC_000004.11:g.39290462T>C; c.3366A>G, p.Lys1122= (NM_001204747.2); c.3285A>G, p.Lys1095= (NM_001363495.2); c.3288A>G, p.Lys1096= (NM_001363496.2).
Identifiers: ClinVar variation 715711 (VCV000715711.7), dbSNP rs17288820, ClinGen allele CA2892595.

ClinVar aggregate classification (germline): Benign. Review status: criteria provided, multiple submitters, no conflicts (2 of 4 stars). 3 submissions from 3 submitters: Benign (2). 1 of the submissions does not count toward it. Last evaluated 2018-04-10.

Conditions:
RFC1-related disorder. Also called: RFC1-related condition; RFC1-Related Disorders. Identifiers: MedGen CN382339.

Allele frequency attached by ClinVar (database versions not stated): gnomAD exomes 0.00071 and 0.00164; ExAC 0.00212; 1000 Genomes Project 0.00479; 1000 Genomes Project 30x 0.00484; gnomAD 0.00607 and 0.00660; TOPMed 0.00667; ESP Exome Variant Server 0.00831.
gnomAD v4.1: 1,992 of 1,600,496 alleles (0.12%); highest among the groups gnomAD compares: African/African-American, 2.2%; 16 homozygotes.

Submissions (12):

Labcorp Genetics (formerly Invitae), Labcorp
Classification: Benign. Last evaluated: 2018-04-10. Review status: criteria provided, single submitter. Criteria: Invitae Variant Classification Sherloc (09022015). Collection method: clinical testing. Allele origin: germline.

Breakthrough Genomics
Classification: Benign. Review status: criteria provided, single submitter. Criteria: ACMG Guidelines, 2015. Collection method: not provided. Allele origin: germline. Inheritance: Autosomal recessive inheritance. Affected: yes.

PreventionGenetics, part of Exact Sciences
Classification: Benign for RFC1-related condition. Last evaluated: 2019-11-07. Review status: no assertion criteria provided. Collection method: clinical testing. Allele origin: germline. Not counted in ClinVar's aggregate classification.
Comment: This variant is classified as benign based on ACMG/AMP sequence variant interpretation guidelines (Richards et al. 2015 PMID: 25741868, with internal and published modifications).

Dr. Peter K. Rogan Lab, Western University
No classification provided (evidence only). Condition: Clear cell carcinoma of kidney. Review status: no classification provided. Collection method: in vitro. Allele origin: not applicable. Functional consequence: retained intron. Not counted in ClinVar's aggregate classification.

Dr. Peter K. Rogan Lab, Western University
No classification provided (evidence only). Condition: Lung cancer. Review status: no classification provided. Collection method: in vitro. Allele origin: not applicable. Functional consequence: retained intron. Not counted in ClinVar's aggregate classification.

Dr. Peter K. Rogan Lab, Western University
No classification provided (evidence only). Condition: Colon adenocarcinoma. Review status: no classification provided. Collection method: in vitro. Allele origin: not applicable. Functional consequence: retained intron. Not counted in ClinVar's aggregate classification.

Dr. Peter K. Rogan Lab, Western University
No classification provided (evidence only). Condition: Uterine corpus endometrial carcinoma. Review status: no classification provided. Collection method: in vitro. Allele origin: not applicable. Functional consequence: retained intron. Not counted in ClinVar's aggregate classification.

Dr. Peter K. Rogan Lab, Western University
No classification provided (evidence only). Condition: Uterine corpus endometrial carcinoma. Review status: no classification provided. Collection method: in vitro. Allele origin: not applicable. Functional consequence: retained intron. Not counted in ClinVar's aggregate classification.

Dr. Peter K. Rogan Lab, Western University
No classification provided (evidence only). Condition: Ovarian serous cystadenocarcinoma. Review status: no classification provided. Collection method: in vitro. Allele origin: not applicable. Functional consequence: retained intron. Not counted in ClinVar's aggregate classification.

Dr. Peter K. Rogan Lab, Western University
No classification provided (evidence only). Condition: Ovarian serous cystadenocarcinoma. Review status: no classification provided. Collection method: in vitro. Allele origin: not applicable. Functional consequence: retained intron. Not counted in ClinVar's aggregate classification.

Dr. Peter K. Rogan Lab, Western University
No classification provided (evidence only). Condition: Gastric cancer. Review status: no classification provided. Collection method: in vitro. Allele origin: not applicable. Functional consequence: retained intron. Not counted in ClinVar's aggregate classification.

Dr. Peter K. Rogan Lab, Western University
No classification provided (evidence only). Condition: Uterine carcinosarcoma. Review status: no classification provided. Collection method: in vitro. Allele origin: not applicable. Functional consequence: retained intron. Not counted in ClinVar's aggregate classification.